The following is an entry in ClinVar:

ClinVar aggregate classification (germline): Uncertain significance (1 of 4 stars; one submission).

Conditions:
Inborn genetic diseases. Identifiers: MedGen C0950123, MeSH D030342.

Submission:

Ambry Genetics
Classification: Uncertain significance for Inborn genetic diseases. Last evaluated: 2026-01-18. Review status: criteria provided, single submitter. Criteria: Ambry Variant Classification Scheme 2023. Collection method: clinical testing. Allele origin: germline.
Comment: The p.C547Y variant (also known as c.1640G>A), located in coding exon 10 of the RECQL4 gene, results from a G to A substitution at nucleotide position 1640. The cysteine at codon 547 is replaced by tyrosine, an amino acid with highly dissimilar properties. This amino acid position is conserved. In addition, this alteration is predicted to be tolerated by in silico analysis. Based on the available evidence, the clinical significance of this variant remains unclear.

NM_004260.4(RECQL4):c.1640G>A (p.Cys547Tyr)

Gene: RECQL4 (RecQ like helicase 4; minus strand). Cytogenetic location: 8q24.3.
Variant type: single nucleotide variant.
Coding change: c.1640G>A on transcript NM_004260.4 (MANE Select); coding-DNA position 1640, G replaced by A.
Protein change: p.Cys547Tyr; replaces cysteine 547 with tyrosine.
Molecular consequence: missense variant. On other transcripts: non-coding transcript variant (3).
Genome position (GRCh38, 1-based): chr8:144,514,506, C>T on the plus strand (G>A on the coding strand, the complement: RECQL4 is on the minus strand). VCF-style: chr8-144514506-C-T. GRCh37 (hg19) VCF-style: chr8-145739890-C-T.
Other names: c.1544G>A, p.Cys515Tyr (NM_001413017.1, NM_001413020.1); c.1640G>A, p.Cys547Tyr (NM_001413018.1, NM_001413019.1, NM_001413033.1 and 1 more transcripts); c.569G>A, p.Cys190Tyr (NM_001413021.1, NM_001413022.1, NM_001413023.1 and 7 more transcripts); c.1511G>A, p.Cys504Tyr (NM_001413025.1); c.503G>A, p.Cys168Tyr (NM_001413027.1, NM_001413041.1, NM_001413030.1 and 2 more transcripts); c.1610G>A, p.Cys537Tyr (NM_001413039.1); c.539G>A, p.Cys180Tyr (NM_001413042.1); c.173G>A, p.Cys58Tyr (NM_001413043.1); and 1 more; short protein forms C190Y, C547Y, C180Y, C504Y, C515Y, C430Y, C537Y, C58Y.
Identifiers: ClinVar variation 4844345 (VCV004844345.1).